The following is an entry in ClinVar:

ClinVar aggregate classification (germline): Benign (1 of 4 stars; one submission).

Conditions:
Familial cancer of breast. Also called: hereditary breast carcinoma; Hereditary breast cancer; BREAST CANCER, FAMILIAL. Identifiers: Orphanet 227535, MedGen C0346153, MONDO:0016419, OMIM 114480. Disease mechanism: loss of function.

Submission:

Myriad Genetics, Inc.
Classification: Benign for Familial cancer of breast. Last evaluated: 2024-08-21. Review status: criteria provided, single submitter. Criteria: Myriad Autosomal Dominant, Autosomal Recessive and X-Linked Classification Criteria (2023). Collection method: clinical testing. Allele origin: unknown.
Comment: This variant is considered benign. This variant is a silent/synonymous amino acid change and it is not expected to impact splicing.

NM_032043.3(BRIP1):c.405T>C (p.Ala135=)

Gene: BRIP1 (BRCA1 interacting DNA helicase 1; minus strand). Cytogenetic location: 17q23.2.
Variant type: single nucleotide variant.
Coding change: c.405T>C on transcript NM_032043.3 (MANE Select); coding-DNA position 405, T replaced by C.
Protein change: p.Ala135=; no amino-acid change (alanine 135 retained).
Molecular consequence: synonymous variant.
Genome position (GRCh38, 1-based): chr17:61,849,231, A>G on the plus strand (T>C on the coding strand, the complement: BRIP1 is on the minus strand). VCF-style: chr17-61849231-A-G. GRCh37 (hg19) VCF-style: chr17-59926592-A-G.
Identifiers: ClinVar variation 3378549 (VCV003378549.1).
Genomic context (GRCh38, chr17:61,849,231, plus strand): 5'-TTGAAAATCATCATTTTCATCTCTGTATATGGATGCCTGTTTCTTAGCAGATAACTTTGC[A>G]GCCAGAGTGGTTTTTTCAGGGGAGTCTTATATAAGTAATTTAAAAAAAACAGCATAAATA-3'
Protein context (NP_114432.2, residues 125-145): CQDSPEKTTL[Ala135=]AKLSAKKQAS